The following is an entry in ClinVar:

ClinVar aggregate classification (germline): Likely benign. Review status: criteria provided, single submitter (1 of 4 stars). 2 submissions from 2 submitters: Likely benign (1). 1 of the submissions does not count toward it. Last evaluated 2023-12-09.

Conditions:
PCNT-related disorder. Also called: PCNT-related condition.

Allele frequency attached by ClinVar (database versions not stated): gnomAD 0.00002; TOPMed 0.00002.
gnomAD v4.1: 11 of 1,613,724 alleles (0.00068%); highest among the groups gnomAD compares: Non-Finnish European, 0.00093%; no homozygotes.

Submissions (2):

Labcorp Genetics (formerly Invitae), Labcorp
Classification: Likely benign. Last evaluated: 2023-12-09. Review status: criteria provided, single submitter. Criteria: Invitae Variant Classification Sherloc (09022015). Collection method: clinical testing. Allele origin: germline.

PreventionGenetics, part of Exact Sciences
Classification: Likely benign for PCNT-related condition. Last evaluated: 2023-03-24. Review status: no assertion criteria provided. Collection method: clinical testing. Allele origin: germline. Not counted in ClinVar's aggregate classification.
Comment: This variant is classified as likely benign based on ACMG/AMP sequence variant interpretation guidelines (Richards et al. 2015 PMID: 25741868, with internal and published modifications).

NM_006031.6(PCNT):c.5128A>C (p.Arg1710=)

Gene: PCNT (pericentrin; plus strand). Cytogenetic location: 21q22.3.
Variant type: single nucleotide variant.
Coding change: c.5128A>C on transcript NM_006031.6 (MANE Select); coding-DNA position 5128, A replaced by C.
Protein change: p.Arg1710=; no amino-acid change (arginine 1710 retained).
Molecular consequence: synonymous variant.
Genome position (GRCh38, 1-based): chr21:46,411,201, A>C. VCF-style: chr21-46411201-A-C. GRCh37 (hg19) VCF-style: chr21-47831115-A-C.
Other names: c.5128A>C (NM_006031.5); c.4774A>C, p.Arg1592= (NM_001315529.2).
Identifiers: ClinVar variation 2979949 (VCV002979949.4), dbSNP rs778657553, ClinGen allele CA10079909.